The following is an entry in ClinVar:

ClinVar aggregate classification (germline): Uncertain significance. Review status: criteria provided, multiple submitters, no conflicts (2 of 4 stars). 3 submissions from 3 submitters: Uncertain significance (3). Last evaluated 2024-12-11.

Conditions:
Multiple acyl-CoA dehydrogenase deficiency (MADD). Also called: ETHYLMALONIC-ADIPICACIDURIA; GA II; Glutaric acidemia type II; GA 2; Glutaric Acidemia type 2; Glutaric aciduria, type 2. Identifiers: Orphanet 26791, MedGen C0268596, MONDO:0009282, OMIM 231680.

Allele frequency attached by ClinVar (database versions not stated): gnomAD exomes below 0.00001; gnomAD 0.00001; TOPMed 0.00001.

Submissions (3):

Labcorp Genetics (formerly Invitae), Labcorp
Classification: Uncertain significance for Multiple acyl-CoA dehydrogenase deficiency. Last evaluated: 2024-12-11. Review status: criteria provided, single submitter. Criteria: Invitae Variant Classification Sherloc (09022015). Collection method: clinical testing. Allele origin: germline.
Comment: This sequence change creates a premature translational stop signal (p.Val216Cysfs*28) in the ETFB gene. While this is not anticipated to result in nonsense mediated decay, it is expected to disrupt the last 40 amino acid(s) of the ETFB protein. This variant is not present in population databases (gnomAD no frequency). This variant has not been reported in the literature in individuals affected with ETFB-related conditions. ClinVar contains an entry for this variant (Variation ID: 1016522). Experimental studies and prediction algorithms are not available or were not evaluated, and the functional significance of this variant is currently unknown. In summary, the available evidence is currently insufficient to determine the role of this variant in disease. Therefore, it has been classified as a Variant of Uncertain Significance.

Blueprint Genetics
Classification: Uncertain significance. Last evaluated: 2024-03-07. Review status: criteria provided, single submitter. Criteria: ACMG Guidelines, 2015. Collection method: clinical testing. Allele origin: germline.

Women's Health and Genetics/Laboratory Corporation of America, LabCorp
Classification: Uncertain significance. Last evaluated: 2022-03-01. Review status: criteria provided, single submitter. Criteria: LabCorp Variant Classification Summary - May 2015. Collection method: clinical testing. Allele origin: germline.
Comment: Variant summary: ETFB c.645dupT (p.Val216CysfsX28) results in a premature termination codon in the last exon of the protein. The variant was absent in 251458 control chromosomes (gnomAD). To our knowledge, no occurrence of c.645dupT in individuals affected with Glutaric Aciduria, Type 2b and no experimental evidence demonstrating its impact on protein function have been reported. One clinical diagnostic laboratory has submitted clinical-significance assessments for this variant to ClinVar after 2014 and classified the variant as uncertain significance. Based on the evidence outlined above, the variant was classified as uncertain significance.

NM_001985.3(ETFB):c.645dup (p.Val216fs)

Gene: ETFB (electron transfer flavoprotein subunit beta; minus strand). Cytogenetic location: 19q13.41.
Variant type: Duplication.
Coding change: c.645dup on transcript NM_001985.3 (MANE Select); coding-DNA position 645, one base duplicated (T; older notation c.645dupT).
Protein change: p.Val216fs; shifts the reading frame from valine 216.
Molecular consequence: frameshift variant.
Genome position (GRCh38, 1-based): chr19:51,345,334, A duplicated on the plus strand (T on the coding strand, the reverse complement: ETFB is on the minus strand). VCF-style (leftmost placement, unchanged base first): chr19-51345333-C-CA. GRCh37 (hg19) VCF-style: chr19-51848587-C-CA.
Other names: c.918dup, p.Val307fs (NM_001014763.1); short protein forms V216fs, V307fs.
Identifiers: ClinVar variation 1016522 (VCV001016522.8), dbSNP rs1428088327, ClinGen allele CA883294668.
Genomic context (GRCh38, chr19:51,345,333, plus strand): 5'-CGGCCGTGCGCTGGGGCGGGTCCTCCACACTGATCACAGAGAGCTTGGAGGTCAGGTCCA[C>CA]ACCCAGGTCCCCAGGCTTGATCACCTCGATCTTCTTCTTCTTGGCTTTCTGCACATGGGA-3'